The following is an entry in ClinVar:

NM_003200.5(TCF3):c.253C>T (p.His85Tyr)

Gene: TCF3 (transcription factor 3; minus strand). Cytogenetic location: 19p13.3.
Variant type: single nucleotide variant.
Coding change: c.253C>T on transcript NM_003200.5 (MANE Select); coding-DNA position 253, C replaced by T.
Protein change: p.His85Tyr; replaces histidine 85 with tyrosine.
Molecular consequence: missense variant.
Genome position (GRCh38, 1-based): chr19:1,632,083, G>A on the plus strand (C>T on the coding strand, the complement: TCF3 is on the minus strand). VCF-style: chr19-1632083-G-A. GRCh37 (hg19) VCF-style: chr19-1632082-G-A.
Other names: c.253C>T, p.His85Tyr (NM_001136139.4, NM_001351778.2, NM_001351779.2); short protein forms H85Y.
Identifiers: ClinVar variation 2633865 (VCV002633865.1), dbSNP rs2514236896, ClinGen allele CA403079964.

ClinVar aggregate classification (germline): Uncertain significance (1 of 4 stars; one submission).

Conditions:
TCF3-related disorder. Also called: TCF3-related condition.

Submission:

PreventionGenetics, part of Exact Sciences
Classification: Uncertain significance for TCF3-related condition. Last evaluated: 2023-04-10. Review status: criteria provided, single submitter. Criteria: ACMG Guidelines, 2015. Collection method: clinical testing. Allele origin: germline.
Comment: The TCF3 c.253C>T variant is predicted to result in the amino acid substitution p.His85Tyr. To our knowledge, this variant has not been reported in the literature or in a large population database, indicating this variant is rare. At this time, the clinical significance of this variant is uncertain due to the absence of conclusive functional and genetic evidence.